The following is an entry in ClinVar:

NM_000322.5(PRPH2):c.312C>T (p.Ile104=)

Gene: PRPH2 (peripherin 2; minus strand). Cytogenetic location: 6p21.1.
Variant type: single nucleotide variant.
Coding change: c.312C>T on transcript NM_000322.5 (MANE Select); coding-DNA position 312, C replaced by T.
Protein change: p.Ile104=; no amino-acid change (isoleucine 104 retained).
Molecular consequence: synonymous variant.
Genome position (GRCh38, 1-based): chr6:42,722,023, G>A on the plus strand (C>T on the coding strand, the complement: PRPH2 is on the minus strand). VCF-style: chr6-42722023-G-A. GRCh37 (hg19) VCF-style: chr6-42689761-G-A.
Identifiers: ClinVar variation 356778 (VCV000356778.16), dbSNP rs200009675, ClinGen allele CA3808636.
Genomic context (GRCh38, chr6:42,722,023, plus strand): 5'-GCCCCGAAGCAGAAAGCAGCAGAGAGCCACAAGGAAGAGGATGATGTTGAAGAGAACACA[G>A]ATAGCCAGGTACGGCTTCAGCCAGGGCTTCCATCTGGCATACTTGGCTGGGTCCAGGGCG-3'
Protein context (NP_000313.2, residues 94-114): WKPWLKPYLA[Ile104=]CVLFNIILFL

ClinVar aggregate classification (germline): Conflicting classifications of pathogenicity. Review status: criteria provided, conflicting classifications (1 of 4 stars). 10 submissions from 5 submitters: Uncertain significance (3); Benign (3); Likely benign (4). Last evaluated 2026-05-26.

Conditions:
Patterned macular dystrophy 1. Also called: BUTTERFLY DYSTROPHY OF RETINAL PIGMENT EPITHELIUM; MACULAR DYSTROPHY, BUTTERFLY-SHAPED PIGMENTARY. Identifiers: Orphanet 99001, MedGen C4551999, MONDO:0008210, OMIM 169150.
Adult-onset foveomacular vitelliform dystrophy. Also called: Adult onset vitelliform dystrophy; FOVEOMACULAR DYSTROPHY, ADULT-ONSET, WITH OR WITHOUT CHOROIDAL NEOVASCULARIZATION; FOVEOMACULAR DYSTROPHY, ADULT-ONSET. Identifiers: Orphanet 99000, MedGen C1842914, MONDO:0011979.
PRPH2-related disorder. Also called: PRPH2-related condition; PRPH2-related disorders. Identifiers: MedGen CN239395.
Retinal dystrophy. Also called: Inherited retinal dystrophy. Identifiers: Orphanet 71862, MedGen C0854723, MeSH D058499, MONDO:0019118, HP:0000556.
Retinitis pigmentosa (RP). Identifiers: Orphanet 791, MedGen C0035334, MeSH D012174, MONDO:0019200, OMIM 268000. Inheritance: Autosomal dominant, autosomal recessive and X linked inheritance.
Choroidal dystrophy, central areolar 2 (CACD2). Also called: MACULAR DYSTROPHY, PROGRESSIVE; Choriodal Dystrophy, Central Areolar 2. Identifiers: Orphanet 75377, MedGen C2751290, MONDO:0013137, OMIM 613105.
Pigmentary retinal dystrophy. Also called: Fundus albipunctatus. Identifiers: Orphanet 227796, Orphanet 52427, MedGen C0311338, MONDO:0007639, OMIM 136880, HP:0030642.
Cone-rod dystrophy. Also called: Cone/cone-rod dystrophy; Cone-rod degeneration. Identifiers: Orphanet 1872, MedGen C4085590, MONDO:0015993, HP:0000548.

Allele frequency attached by ClinVar (database versions not stated): gnomAD exomes 0.00003 and 0.00009; gnomAD 0.00004 and 0.00005; ExAC 0.00005; TOPMed 0.00007; 1000 Genomes Project 30x 0.00016; 1000 Genomes Project 0.00020.
gnomAD v4.1: 45 of 1,614,154 alleles (0.0028%); highest among the groups gnomAD compares: East Asian, 0.094%; no homozygotes.

Submissions (10):

PreventionGenetics, part of Exact Sciences
Classification: Likely benign for PRPH2-related condition. Last evaluated: 2026-05-26. Review status: criteria provided, single submitter. Criteria: ACMG Guidelines, 2015. Collection method: clinical testing. Allele origin: germline.
Comment: This variant is classified as likely benign based on ACMG/AMP sequence variant interpretation guidelines (Richards et al. 2015 PMID: 25741868, with internal and published modifications).

Labcorp Genetics (formerly Invitae), Labcorp
Classification: Likely benign for PRPH2-related disorder. Last evaluated: 2025-10-28. Review status: criteria provided, single submitter. Criteria: Invitae Variant Classification Sherloc (09022015). Collection method: clinical testing. Allele origin: germline.

Dept Of Ophthalmology, Nagoya University
Classification: Benign for Retinal dystrophy. Last evaluated: 2023-10-01. Review status: criteria provided, single submitter. Criteria: Submitter's publication. Collection method: research. Allele origin: germline. Affected: yes.

Blueprint Genetics
Classification: Likely benign. Last evaluated: 2021-09-08. Review status: criteria provided, single submitter. Criteria: ACMG Guidelines, 2015. Collection method: clinical testing. Allele origin: germline.

Illumina Laboratory Services, Illumina
Classification: Benign for Choroidal dystrophy, central areolar 2. Last evaluated: 2018-01-12. Review status: criteria provided, single submitter. Criteria: ICSL Variant Classification Criteria 13 December 2019. Collection method: clinical testing. Allele origin: germline.
Comment: This variant was observed in the ICSL laboratory as part of a predisposition screen in an ostensibly healthy population. It had not been previously curated by ICSL or reported in the Human Gene Mutation Database (HGMD: prior to June 1st, 2018), and was therefore a candidate for classification through an automated scoring system. Utilizing variant allele frequency, disease prevalence and penetrance estimates, and inheritance mode, an automated score was calculated to assess if this variant is too frequent to cause the disease. Based on the score and internal cut-off values, a variant classified as benign is not then subjected to further curation. The score for this variant resulted in a classification of benign for this disease.

Illumina Laboratory Services, Illumina
Classification: Benign for Vitelliform macular dystrophy 3. Last evaluated: 2018-01-12. Review status: criteria provided, single submitter. Criteria: ICSL Variant Classification Criteria 13 December 2019. Collection method: clinical testing. Allele origin: germline.
Comment: the same text as in the submission from Illumina Laboratory Services, Illumina above.

Illumina Laboratory Services, Illumina
Classification: Uncertain significance for Patterned macular dystrophy 1. Last evaluated: 2018-01-12. Review status: criteria provided, single submitter. Criteria: ICSL Variant Classification Criteria 13 December 2019. Collection method: clinical testing. Allele origin: germline.

Illumina Laboratory Services, Illumina
Classification: Uncertain significance for Retinitis pigmentosa. Last evaluated: 2018-01-12. Review status: criteria provided, single submitter. Criteria: ICSL Variant Classification Criteria 13 December 2019. Collection method: clinical testing. Allele origin: germline.

Illumina Laboratory Services, Illumina
Classification: Uncertain significance for Pigmentary retinal dystrophy. Last evaluated: 2018-01-12. Review status: criteria provided, single submitter. Criteria: ICSL Variant Classification Criteria 13 December 2019. Collection method: clinical testing. Allele origin: germline.

Illumina Laboratory Services, Illumina
Classification: Likely benign for Cone-rod dystrophy. Last evaluated: 2018-01-12. Review status: criteria provided, single submitter. Criteria: ICSL Variant Classification Criteria 13 December 2019. Collection method: clinical testing. Allele origin: germline.
Comment: This variant was observed in the ICSL laboratory as part of a predisposition screen in an ostensibly healthy population. It had not been previously curated by ICSL or reported in the Human Gene Mutation Database (HGMD: prior to June 1st, 2018), and was therefore a candidate for classification through an automated scoring system. Utilizing variant allele frequency, disease prevalence and penetrance estimates, and inheritance mode, an automated score was calculated to assess if this variant is too frequent to cause the disease. Based on the score and internal cut-off values, a variant classified as likely benign is not then subjected to further curation. The score for this variant resulted in a classification of likely benign for this disease.